The following is an entry in ClinVar:

ClinVar aggregate classification (germline): Uncertain significance (1 of 4 stars; one submission).

Submission:

Labcorp Genetics (formerly Invitae), Labcorp
Classification: Uncertain significance. Last evaluated: 2021-05-29. Review status: criteria provided, single submitter. Criteria: Invitae Variant Classification Sherloc (09022015). Collection method: clinical testing. Allele origin: germline.
Comment: This variant has not been reported in the literature in individuals with SFRP4-related conditions. Experimental studies and prediction algorithms are not available or were not evaluated, and the functional significance of this variant is currently unknown. In summary, the available evidence is currently insufficient to determine the role of this variant in disease. Therefore, it has been classified as a Variant of Uncertain Significance. This variant is present in population databases (rs760845503, ExAC 0.003%). This sequence change results in a frameshift in the SFRP4 gene (p.Arg345Serfs*4). While this is not anticipated to result in nonsense mediated decay, it is expected to disrupt the last 2 amino acid(s) of the SFRP4 protein and extend the protein by 1 additional amino acid residues.

NM_003014.4(SFRP4):c.1032_1033del (p.Arg345fs)

Gene: SFRP4 (secreted frizzled related protein 4; minus strand). Cytogenetic location: 7p14.1.
Variant type: Deletion.
Coding change: c.1032_1033del on transcript NM_003014.4 (MANE Select); coding-DNA positions 1032 to 1033, 2 bases deleted (AA; older notation c.1032_1033delAA).
Protein change: p.Arg345fs; shifts the reading frame from arginine 345.
Molecular consequence: frameshift variant.
Genome position (GRCh38, 1-based): chr7:37,907,487-37,907,488, TT deleted on the plus strand (AA on the coding strand, the reverse complement: SFRP4 is on the minus strand); deleting any 2 consecutive bases within chr7:37,907,487-37,907,490 gives the same sequence; the c. name uses the placement nearest the transcript's 3' end. VCF-style (leftmost placement, unchanged base first): chr7-37907486-CTT-C. GRCh37 (hg19) VCF-style: chr7-37947088-CTT-C.
Other names: short protein forms R345fs.
Identifiers: ClinVar variation 1357099 (VCV001357099.6), dbSNP rs760845503, ClinGen allele CA4222652.
Genomic context (GRCh38, chr7:37,907,486, plus strand): 5'-CCAGCCTCATCCTGTAAGGAAGTCGGAAGTCTCCGCTTTGGAAACTAGTTAGCTCACACT[CTT>C]TTCGGGTTTGTTCTCTTCTGGGCACTCCTAGTTTTAATGTTCTTCTTGGGACTGGCTGGT-3'